The following is an entry in ClinVar:

ClinVar aggregate classification (germline): Likely benign (0 of 4 stars; one submission).

Conditions:
MDN1-related disorder. Also called: MDN1-related condition.

Allele frequency attached by ClinVar (database versions not stated): 1000 Genomes Project 0.00160; 1000 Genomes Project 30x 0.00187; TOPMed 0.00218; ESP Exome Variant Server 0.00246; gnomAD exomes 0.00254; gnomAD 0.00292; ExAC 0.00301.
gnomAD v4.1: 4,182 of 1,613,994 alleles (0.26%); highest among the groups gnomAD compares: Middle Eastern, 0.46%; 15 homozygotes.

Submission:

PreventionGenetics, part of Exact Sciences
Classification: Likely benign for MDN1-related condition. Last evaluated: 2022-01-10. Review status: no assertion criteria provided. Collection method: clinical testing. Allele origin: germline.
Comment: This variant is classified as likely benign based on ACMG/AMP sequence variant interpretation guidelines (Richards et al. 2015 PMID: 25741868, with internal and published modifications).

NM_014611.3(MDN1):c.3725A>G (p.Tyr1242Cys)

Gene: MDN1 (midasin AAA ATPase 1; minus strand). Cytogenetic location: 6q15.
Variant type: single nucleotide variant.
Coding change: c.3725A>G on transcript NM_014611.3 (MANE Select); coding-DNA position 3725, A replaced by G.
Protein change: p.Tyr1242Cys; replaces tyrosine 1242 with cysteine.
Molecular consequence: missense variant.
Genome position (GRCh38, 1-based): chr6:89,749,260, T>C on the plus strand (A>G on the coding strand, the complement: MDN1 is on the minus strand). VCF-style: chr6-89749260-T-C. GRCh37 (hg19) VCF-style: chr6-90458979-T-C.
Other names: short protein forms Y1242C.
Identifiers: ClinVar variation 3038684 (VCV003038684.2), dbSNP rs116229207, ClinGen allele CA3925294.